The following is an entry in ClinVar:

ClinVar aggregate classification (germline): Uncertain significance. Review status: criteria provided, multiple submitters, no conflicts (2 of 4 stars). 3 submissions from 3 submitters: Uncertain significance (3). Last evaluated 2025-08-07.

Conditions:
REEP6-related disorder. Also called: REEP6-related condition.

Allele frequency attached by ClinVar (database versions not stated): gnomAD exomes 0.00007 and 0.00009; ExAC 0.00008; gnomAD 0.00019 and 0.00021; TOPMed 0.00022; ESP Exome Variant Server 0.00031.
gnomAD v4.1: 167 of 1,613,618 alleles (0.01%); highest among the groups gnomAD compares: African/African-American, 0.055%; no homozygotes.

Submissions (3):

PreventionGenetics, part of Exact Sciences
Classification: Uncertain significance for REEP6-related condition. Last evaluated: 2025-08-07. Review status: criteria provided, single submitter. Criteria: ACMG Guidelines, 2015. Collection method: clinical testing. Allele origin: germline.
Comment: The REEP6 c.176A>G variant is predicted to result in the amino acid substitution p.Asn59Ser. To our knowledge, this variant has not been reported in the literature. This variant is reported in 0.036% of alleles in individuals of African descent in gnomAD. At this time, the clinical significance of this variant is uncertain due to the absence of conclusive functional and genetic evidence.

Labcorp Genetics (formerly Invitae), Labcorp
Classification: Uncertain significance. Last evaluated: 2023-11-28. Review status: criteria provided, single submitter. Criteria: Invitae Variant Classification Sherloc (09022015). Collection method: clinical testing. Allele origin: germline.
Comment: This sequence change replaces asparagine, which is neutral and polar, with serine, which is neutral and polar, at codon 59 of the REEP6 protein (p.Asn59Ser). This variant is present in population databases (rs145196601, gnomAD 0.03%). This variant has not been reported in the literature in individuals affected with REEP6-related conditions. ClinVar contains an entry for this variant (Variation ID: 942093). Experimental studies and prediction algorithms are not available or were not evaluated, and the functional significance of this variant is currently unknown. In summary, the available evidence is currently insufficient to determine the role of this variant in disease. Therefore, it has been classified as a Variant of Uncertain Significance.

Blueprint Genetics
Classification: Uncertain significance. Last evaluated: 2022-10-28. Review status: criteria provided, single submitter. Criteria: ACMG Guidelines, 2015. Collection method: clinical testing. Allele origin: germline.

NM_138393.4(REEP6):c.176A>G (p.Asn59Ser)

Gene: REEP6 (receptor accessory protein 6; plus strand). Cytogenetic location: 19p13.3.
Variant type: single nucleotide variant.
Coding change: c.176A>G on transcript NM_138393.4 (MANE Select); coding-DNA position 176, A replaced by G.
Protein change: p.Asn59Ser; replaces asparagine 59 with serine.
Molecular consequence: missense variant.
Genome position (GRCh38, 1-based): chr19:1,495,354, A>G. VCF-style: chr19-1495354-A-G. GRCh37 (hg19) VCF-style: chr19-1495353-A-G.
Other names: c.176A>G, p.Asn59Ser (NM_001329556.3); short protein forms N59S.
Identifiers: ClinVar variation 942093 (VCV000942093.8), dbSNP rs145196601, ClinGen allele CA9047421.